The following is an entry in ClinVar:

ClinVar aggregate classification (germline): Uncertain significance (1 of 4 stars; one submission).

Conditions:
Hereditary pheochromocytoma and paraganglioma. Also called: Hereditary paragangliomas and pheochromocytomas; Hereditary Paraganglioma-Pheochromocytoma Syndromes; Hereditary pheochromocytoma-paraganglioma. Identifiers: Orphanet 29072, MedGen C4274332, MONDO:0017366.

Submission:

Labcorp Genetics (formerly Invitae), Labcorp
Classification: Uncertain significance for Hereditary pheochromocytoma and paraganglioma. Last evaluated: 2023-04-22. Review status: criteria provided, single submitter. Criteria: Invitae Variant Classification Sherloc (09022015). Collection method: clinical testing. Allele origin: germline.
Comment: This sequence change replaces alanine, which is neutral and non-polar, with serine, which is neutral and polar, at codon 132 of the TMEM127 protein (p.Ala132Ser). This variant is not present in population databases (gnomAD no frequency). This variant has not been reported in the literature in individuals affected with TMEM127-related conditions. ClinVar contains an entry for this variant (Variation ID: 2130969). An algorithm developed to predict the effect of missense changes on protein structure and function (PolyPhen-2) suggests that this variant is likely to be disruptive. In summary, the available evidence is currently insufficient to determine the role of this variant in disease. Therefore, it has been classified as a Variant of Uncertain Significance.

NM_017849.4(TMEM127):c.394G>T (p.Ala132Ser)

Gene: TMEM127 (transmembrane protein 127; minus strand). Cytogenetic location: 2q11.2.
Variant type: single nucleotide variant.
Coding change: c.394G>T on transcript NM_017849.4 (MANE Select); coding-DNA position 394, G replaced by T.
Protein change: p.Ala132Ser; replaces alanine 132 with serine.
Molecular consequence: missense variant.
Genome position (GRCh38, 1-based): chr2:96,254,848, C>A on the plus strand (G>T on the coding strand, the complement: TMEM127 is on the minus strand). VCF-style: chr2-96254848-C-A. GRCh37 (hg19) VCF-style: chr2-96920586-C-A.
Other names: c.394G>T, p.Ala132Ser (NM_001193304.3); c.142G>T, p.Ala48Ser (NM_001407282.1, NM_001407283.1); short protein forms A48S, A132S.
Identifiers: ClinVar variation 2130969 (VCV002130969.4), dbSNP rs750870974, ClinGen allele CA347653278.